The following is an entry in ClinVar:

ClinVar aggregate classification (germline): Pathogenic. Review status: criteria provided, multiple submitters, no conflicts (2 of 4 stars). 2 submissions from 2 submitters: Pathogenic (2). Last evaluated 2024-02-01.

Conditions:
Familial cancer of breast. Also called: Hereditary breast cancer; hereditary breast carcinoma; BREAST CANCER, FAMILIAL. Identifiers: Orphanet 227535, MedGen C0346153, MONDO:0016419, OMIM 114480. Disease mechanism: loss of function.
Ataxia-telangiectasia syndrome (AT). Also called: Ataxia-telangiectasia, complementation group D; AT, COMPLEMENTATION GROUP C; ATAXIA-TELANGIECTASIA, COMPLEMENTATION GROUP A; ATAXIA-TELANGIECTASIA, FRESNO VARIANT; Ataxia-telangiectasia; Ataxia telangiectasia (A-T). Identifiers: Orphanet 100, MedGen C0004135, MONDO:0008840, OMIM 208900.

Submissions (2):

Myriad Genetics, Inc.
Classification: Pathogenic for Familial cancer of breast. Last evaluated: 2024-02-01. Review status: criteria provided, single submitter. Criteria: Myriad Autosomal Dominant, Autosomal Recessive and X-Linked Classification Criteria (2023). Collection method: clinical testing. Allele origin: unknown.
Comment: This variant is considered pathogenic. This variant creates a frameshift predicted to result in premature protein truncation.

Labcorp Genetics (formerly Invitae), Labcorp
Classification: Pathogenic for Ataxia-telangiectasia syndrome. Last evaluated: 2019-10-23. Review status: criteria provided, single submitter. Criteria: Invitae Variant Classification Sherloc (09022015). Collection method: clinical testing. Allele origin: germline.
Comment: For these reasons, this variant has been classified as Pathogenic. Loss-of-function variants in ATM are known to be pathogenic (PMID: 23807571, 25614872). This variant has not been reported in the literature in individuals with ATM-related conditions. This variant is not present in population databases (ExAC no frequency). This sequence change creates a premature translational stop signal (p.Gln2684Valfs*3) in the ATM gene. It is expected to result in an absent or disrupted protein product.

Literature cited by the submitters: PubMed 23807571 (cited by Labcorp Genetics (formerly Invitae), Labcorp); PubMed 25614872 (cited by Labcorp Genetics (formerly Invitae), Labcorp).

NM_000051.4(ATM):c.8050_8051del (p.Gln2684fs)

Genes: ATM (ATM serine/threonine kinase; plus strand), C11orf65 (chromosome 11 open reading frame 65; minus strand). Cytogenetic location: 11q22.3.
Variant type: Deletion.
Coding change: c.8050_8051del on transcript NM_000051.4 (MANE Select); coding-DNA positions 8050 to 8051, 2 bases deleted (CA; older notation c.8050_8051delCA).
Protein change: p.Gln2684fs; shifts the reading frame from glutamine 2684.
Molecular consequence: frameshift variant. On other transcripts: intron variant (2).
Genome position (GRCh38, 1-based): chr11:108,335,008-108,335,009, CA deleted; deleting any 2 consecutive bases within chr11:108,335,007-108,335,009 gives the same sequence; the c. name uses the placement nearest the transcript's 3' end. VCF-style (leftmost placement, unchanged base first): chr11-108335006-TAC-T. GRCh37 (hg19) VCF-style: chr11-108205733-TAC-T.
Other names: c.8050_8051delCA, p.Gln2684Valfs (NM_000051.3); c.8050_8051del, p.Gln2684fs (NM_001351834.2); c.641-25937_641-25936del (NM_001330368.2); c.*38+212_*38+213del (NM_001351110.2); short protein forms Q2684fs.
Identifiers: ClinVar variation 961058 (VCV000961058.10), dbSNP rs2086675006, ClinGen allele CA1139662190.
Genomic context (GRCh38, chr11:108,335,006, plus strand): 5'-AATCATGTTTATACTTTTATTAGGTGGACCACACAGGAGAATATGGAAATCTGGTGACTA[TAC>T]AGTCATTTAAAGCAGAATTTCGCTTAGCAGGAGGTGTAAATTTACCAAAAATAATAGATT-3'